The following is an entry in ClinVar:

NM_004100.5(EYA4):c.475_478del (p.Thr159fs)

Gene: EYA4 (EYA transcriptional coactivator and phosphatase 4; plus strand). Cytogenetic location: 6q23.2.
Variant type: Deletion.
Coding change: c.475_478del on transcript NM_004100.5 (MANE Select); coding-DNA positions 475 to 478, 4 bases deleted (ACAA; older notation c.475_478delACAA).
Protein change: p.Thr159fs; shifts the reading frame from threonine 159.
Molecular consequence: frameshift variant.
Genome position (GRCh38, 1-based): chr6:133,462,372-133,462,375, ACAA deleted; deleting any 4 consecutive bases within chr6:133,462,369-133,462,375 gives the same sequence; the c. name uses the placement nearest the transcript's 3' end. VCF-style (leftmost placement, unchanged base first): chr6-133462368-TCAAA-T. GRCh37 (hg19) VCF-style: chr6-133783506-TCAAA-T.
Other names: c.313_316del, p.Thr105fs (NM_001301012.2, NM_001370459.1); c.475_478del, p.Thr159fs (NM_001301013.2, NM_172105.4); c.406_409del, p.Thr136fs (NM_001370458.1, NM_172103.4); short protein forms T105fs, T136fs, T159fs.
Identifiers: ClinVar variation 4085612 (VCV004085612.9).

ClinVar aggregate classification (germline): Pathogenic. Review status: criteria provided, multiple submitters, no conflicts (2 of 4 stars). 2 submissions from 2 submitters: Pathogenic (2). Last evaluated 2026-09-01.

Conditions:
Dilated cardiomyopathy 1J (CMD1J). Also called: CARDIOMYOPATHY, DILATED, WITH SENSORINEURAL HEARING LOSS, AUTOSOMAL DOMINANT. Identifiers: Orphanet 217622, MedGen C1854368, MONDO:0011541, OMIM 605362.

Submissions (2):

CeGaT Center for Human Genetics Tuebingen
Classification: Pathogenic. Last evaluated: 2026-09-01. Review status: criteria provided, single submitter. Criteria: CeGaT Center For Human Genetics Tuebingen Variant Classification Criteria Version 2. Collection method: clinical testing. Allele origin: germline. Affected: yes. Observed: 3 variant alleles.
Comment: EYA4: PVS1, PM2

Labcorp Genetics (formerly Invitae), Labcorp
Classification: Pathogenic for Dilated cardiomyopathy 1J. Last evaluated: 2025-10-17. Review status: criteria provided, single submitter. Criteria: Invitae Variant Classification Sherloc (09022015). Collection method: clinical testing. Allele origin: germline.
Comment: This sequence change creates a premature translational stop signal (p.Thr159Cysfs*38) in the EYA4 gene. It is expected to result in an absent or disrupted protein product. Loss-of-function variants in EYA4 are known to be pathogenic (PMID: 11159937, 25781927, 25963406). This variant is not present in population databases (gnomAD no frequency). This variant has not been reported in the literature in individuals affected with EYA4-related conditions. ClinVar contains an entry for this variant (Variation ID: 4085612). For these reasons, this variant has been classified as Pathogenic.

Literature cited by the submitters: PubMed 11159937 (cited by Labcorp Genetics (formerly Invitae), Labcorp); PubMed 25781927 (cited by Labcorp Genetics (formerly Invitae), Labcorp); PubMed 25963406 (cited by Labcorp Genetics (formerly Invitae), Labcorp).